The following is an entry in ClinVar:

ClinVar aggregate classification (germline): Uncertain significance (1 of 4 stars; one submission).

Conditions:
DICER1-related tumor predisposition. Also called: DICER1 syndrome; DICER1-related pleuropulmonary blastoma cancer predisposition syndrome. Identifiers: Orphanet 284343, MedGen C3839822, MONDO:0100216.

Submission:

Labcorp Genetics (formerly Invitae), Labcorp
Classification: Uncertain significance for DICER1-related tumor predisposition. Last evaluated: 2020-01-15. Review status: criteria provided, single submitter. Criteria: Invitae Variant Classification Sherloc (09022015). Collection method: clinical testing. Allele origin: germline.
Comment: This sequence change replaces arginine with glycine at codon 1855 of the DICER1 protein (p.Arg1855Gly). The arginine residue is highly conserved and there is a moderate physicochemical difference between arginine and glycine. This variant is not present in population databases (ExAC no frequency). This variant has not been reported in the literature in individuals with DICER1-related conditions. Algorithms developed to predict the effect of missense changes on protein structure and function (SIFT, PolyPhen-2, Align-GVGD) all suggest that this variant is likely to be disruptive, but these predictions have not been confirmed by published functional studies and their clinical significance is uncertain. In summary, the available evidence is currently insufficient to determine the role of this variant in disease. Therefore, it has been classified as a Variant of Uncertain Significance.

NM_177438.3(DICER1):c.5563C>G (p.Arg1855Gly)

Gene: DICER1 (dicer 1, ribonuclease III; minus strand). Cytogenetic location: 14q32.13.
Variant type: single nucleotide variant.
Coding change: c.5563C>G on transcript NM_177438.3 (MANE Select); coding-DNA position 5563, C replaced by G.
Protein change: p.Arg1855Gly; replaces arginine 1855 with glycine.
Molecular consequence: missense variant.
Genome position (GRCh38, 1-based): chr14:95,091,074, G>C on the plus strand (C>G on the coding strand, the complement: DICER1 is on the minus strand). VCF-style: chr14-95091074-G-C. GRCh37 (hg19) VCF-style: chr14-95557411-G-C.
Other names: c.5400C>G, p.Cys1800Trp (NM_001195573.1); c.5563C>G, p.Arg1855Gly (NM_001271282.3, NM_001291628.2, NM_030621.4); short protein forms C1800W, R1855G.
Identifiers: ClinVar variation 1006964 (VCV001006964.10), dbSNP rs1889761840, ClinGen allele CA390864256.